The following is an entry in ClinVar:

NM_001377.3(DYNC2H1):c.4153G>T (p.Asp1385Tyr)

Gene: DYNC2H1 (dynein cytoplasmic 2 heavy chain 1; plus strand). Cytogenetic location: 11q22.3.
Variant type: single nucleotide variant.
Coding change: c.4153G>T on transcript NM_001377.3 (MANE Select); coding-DNA position 4153, G replaced by T.
Protein change: p.Asp1385Tyr; replaces aspartic acid 1385 with tyrosine.
Molecular consequence: missense variant.
Genome position (GRCh38, 1-based): chr11:103,158,702, G>T. VCF-style: chr11-103158702-G-T. GRCh37 (hg19) VCF-style: chr11-103029431-G-T.
Other names: c.4153G>T, p.Asp1385Tyr (NM_001080463.2); short protein forms D1385Y.
Identifiers: ClinVar variation 2002896 (VCV002002896.4), dbSNP rs1860945774, ClinGen allele CA382276052.

ClinVar aggregate classification (germline): Uncertain significance (1 of 4 stars; one submission).

Conditions:
Jeune thoracic dystrophy. Also called: Short-rib thoracic dysplasia; Jeune syndrome; Infantile thoracic dystrophy; Thoracic pelvic phalangeal dystrophy; Jeune's syndrome; Chondroectodermal dysplasia-like syndrome. Identifiers: Orphanet 474, MedGen C0265275, MONDO:0018770.

Submission:

Labcorp Genetics (formerly Invitae), Labcorp
Classification: Uncertain significance for Jeune thoracic dystrophy. Last evaluated: 2022-06-07. Review status: criteria provided, single submitter. Criteria: Invitae Variant Classification Sherloc (09022015). Collection method: clinical testing. Allele origin: germline.
Comment: This sequence change replaces aspartic acid, which is acidic and polar, with tyrosine, which is neutral and polar, at codon 1385 of the DYNC2H1 protein (p.Asp1385Tyr). This variant is not present in population databases (gnomAD no frequency). This variant has not been reported in the literature in individuals affected with DYNC2H1-related conditions. Algorithms developed to predict the effect of missense changes on protein structure and function (SIFT, PolyPhen-2, Align-GVGD) all suggest that this variant is likely to be disruptive. In summary, the available evidence is currently insufficient to determine the role of this variant in disease. Therefore, it has been classified as a Variant of Uncertain Significance.